The following is an entry in ClinVar:

NM_005120.3(MED12):c.2534C>T (p.Thr845Met)

Gene: MED12 (mediator complex subunit 12; plus strand). Cytogenetic location: Xq13.1.
Variant type: single nucleotide variant.
Coding change: c.2534C>T on transcript NM_005120.3 (MANE Select); coding-DNA position 2534, C replaced by T.
Protein change: p.Thr845Met; replaces threonine 845 with methionine.
Molecular consequence: missense variant.
Genome position (GRCh38, 1-based): chrX:71,126,147, C>T. VCF-style: chrX-71126147-C-T. GRCh37 (hg19) VCF-style: chrX-70345997-C-T.
Other names: short protein forms T845M.
Identifiers: ClinVar variation 2974868 (VCV002974868.3), dbSNP rs750730080, ClinGen allele CA10444370.

ClinVar aggregate classification (germline): Uncertain significance (1 of 4 stars; one submission).

Conditions:
FG syndrome (FGS). Identifiers: MedGen C0220769, MONDO:0002010.

Allele frequency attached by ClinVar (database versions not stated): gnomAD exomes below 0.00001; ExAC 0.00001.
gnomAD v4.1: 4 of 1,200,659 alleles (0.00033%); highest among the groups gnomAD compares: Non-Finnish European, 0.00045%; no homozygotes.

Submission:

Labcorp Genetics (formerly Invitae), Labcorp
Classification: Uncertain significance for FG syndrome. Last evaluated: 2023-03-29. Review status: criteria provided, single submitter. Criteria: Invitae Variant Classification Sherloc (09022015). Collection method: clinical testing. Allele origin: germline.
Comment: This sequence change replaces threonine, which is neutral and polar, with methionine, which is neutral and non-polar, at codon 845 of the MED12 protein (p.Thr845Met). The frequency data for this variant in the population databases is considered unreliable, as metrics indicate poor data quality at this position in the gnomAD database. This variant has not been reported in the literature in individuals affected with MED12-related conditions. Advanced modeling of protein sequence and biophysical properties (such as structural, functional, and spatial information, amino acid conservation, physicochemical variation, residue mobility, and thermodynamic stability) performed at Invitae indicates that this missense variant is expected to disrupt MED12 protein function. Algorithms developed to predict the effect of sequence changes on RNA splicing suggest that this variant may create or strengthen a splice site. In summary, the available evidence is currently insufficient to determine the role of this variant in disease. Therefore, it has been classified as a Variant of Uncertain Significance.